The following is an entry in ClinVar:

NM_015047.3(EMC1):c.1134C>A (p.Tyr378Ter)

Genes: EMC1 (ER membrane protein complex subunit 1; minus strand), EMC1-AS1 (EMC1 antisense RNA 1; plus strand). Cytogenetic location: 1p36.13.
Variant type: single nucleotide variant.
Coding change: c.1134C>A on transcript NM_015047.3 (MANE Select); coding-DNA position 1134, C replaced by A.
Protein change: p.Tyr378Ter; replaces tyrosine 378 with a stop codon.
Molecular consequence: nonsense.
Genome position (GRCh38, 1-based): chr1:19,238,095, G>T on the plus strand (C>A on the coding strand, the complement: EMC1 is on the minus strand). VCF-style: chr1-19238095-G-T. GRCh37 (hg19) VCF-style: chr1-19564589-G-T.
Other names: c.1131C>A, p.Tyr377Ter (NM_001271427.2); c.1134C>A, p.Tyr378Ter (NM_001271428.2); c.1068C>A, p.Tyr356Ter (NM_001271429.2); short protein forms Y378*, Y377*, Y356*.
Identifiers: ClinVar variation 691805 (VCV000691805.9), dbSNP rs778470143, ClinGen allele CA338766564.

ClinVar aggregate classification (germline): Pathogenic/Likely pathogenic. Review status: criteria provided, multiple submitters, no conflicts (2 of 4 stars). 2 submissions from 2 submitters: Pathogenic (1); Likely pathogenic (1). Last evaluated 2023-05-08.

Conditions:
Global developmental delay (DD). Also called: Cognitive delay. Identifiers: MedGen C0557874, HP:0001263. Disease mechanism: loss of function.
Cerebellar atrophy. Identifiers: MedGen C0740279, HP:0001272.

gnomAD v4.1: 5 of 1,614,178 alleles (0.00031%); highest among the groups gnomAD compares: Non-Finnish European, 0.00042%; no homozygotes.

Submissions (2):

Labcorp Genetics (formerly Invitae), Labcorp
Classification: Pathogenic. Last evaluated: 2023-05-08. Review status: criteria provided, single submitter. Criteria: Invitae Variant Classification Sherloc (09022015). Collection method: clinical testing. Allele origin: germline.
Comment: For these reasons, this variant has been classified as Pathogenic. ClinVar contains an entry for this variant (Variation ID: 691805). This premature translational stop signal has been observed in individual(s) with clinical features of autosomal recessive EMC1-related conditions (PMID: 32092440). This variant is present in population databases (no rsID available, gnomAD 0.0009%). This sequence change creates a premature translational stop signal (p.Tyr378*) in the EMC1 gene. It is expected to result in an absent or disrupted protein product. Loss-of-function variants in EMC1 are known to be pathogenic (PMID: 26572623, 26942288, 29271071).

Cytogénomique, Hospices Civils de Lyon
Classification: Likely pathogenic for Global developmental delay; Cerebellar atrophy. Last evaluated: 2019-10-07. Review status: criteria provided, single submitter. Criteria: ACMG Guidelines, 2015. Collection method: clinical testing. Allele origin: paternal. Inheritance: Autosomal recessive inheritance. Affected: yes. Observed: 1 variant allele, 1 compound heterozygote.

Literature cited by the submitters: PubMed 32092440 (cited by Labcorp Genetics (formerly Invitae), Labcorp); PubMed 26572623 (cited by Labcorp Genetics (formerly Invitae), Labcorp); PubMed 26942288 (cited by Labcorp Genetics (formerly Invitae), Labcorp); PubMed 29271071 (cited by Labcorp Genetics (formerly Invitae), Labcorp).